The following is an entry in ClinVar:

NM_020376.4(PNPLA2):c.421-1G>A

Gene: PNPLA2 (patatin like domain 2, triacylglycerol lipase; plus strand). Cytogenetic location: 11p15.5.
Variant type: single nucleotide variant.
Coding change: c.421-1G>A on transcript NM_020376.4 (MANE Select); the canonical splice acceptor site of the intron before coding-DNA position 421, G replaced by A.
Molecular consequence: splice acceptor variant.
Genome position (GRCh38, 1-based): chr11:821,957, G>A. VCF-style: chr11-821957-G-A. GRCh37 (hg19) VCF-style: chr11-821957-G-A.
Identifiers: ClinVar variation 2150424 (VCV002150424.4), dbSNP rs921050282, ClinGen allele CA216968802.
Genomic context (GRCh38, chr11:821,957, plus strand): 5'-GGGGGCAGTGGGAACCTCAAGGCCTCTGCTCATTCTCTCCCACTCTGTCCCTGCCCTGAA[G>A]GCCAATGTCTGCAGCGGTTTCATCCCCGTGTACTGTGGGCTCATCCCTCCCTCCCTCCAG-3'

ClinVar aggregate classification (germline): Likely pathogenic (1 of 4 stars; one submission).

Conditions:
Neutral lipid storage myopathy (NLSDM). Also called: NEUTRAL LIPID STORAGE DISEASE WITHOUT ICHTHYOSIS. Identifiers: Orphanet 98908, MedGen C1853136, MONDO:0012545, OMIM 610717.

Allele frequency attached by ClinVar (database versions not stated): gnomAD exomes below 0.00001; gnomAD 0.00001.

Submission:

Labcorp Genetics (formerly Invitae), Labcorp
Classification: Likely pathogenic for Neutral lipid storage myopathy. Last evaluated: 2022-01-17. Review status: criteria provided, single submitter. Criteria: Invitae Variant Classification Sherloc (09022015). Collection method: clinical testing. Allele origin: germline.
Comment: This sequence change affects an acceptor splice site in intron 3 of the PNPLA2 gene. It is expected to disrupt RNA splicing. Variants that disrupt the donor or acceptor splice site typically lead to a loss of protein function (PMID: 16199547), and loss-of-function variants in PNPLA2 are known to be pathogenic (PMID: 17187067). This variant is present in population databases (no rsID available, gnomAD 0.007%). This variant has not been reported in the literature in individuals affected with PNPLA2-related conditions. Algorithms developed to predict the effect of sequence changes on RNA splicing suggest that this variant may disrupt the consensus splice site. In summary, the currently available evidence indicates that the variant is pathogenic, but additional data are needed to prove that conclusively. Therefore, this variant has been classified as Likely Pathogenic.

Literature cited by the submitters: PubMed 16199547; PubMed 17187067.